The following is an entry in ClinVar:

ClinVar aggregate classification (germline): Benign. Review status: criteria provided, single submitter (1 of 4 stars). 2 submissions from 2 submitters: Benign (1). 1 of the submissions does not count toward it. Last evaluated 2026-01-19.

Conditions:
TLR7-related disorder. Also called: TLR7-related condition.

Allele frequency attached by ClinVar (database versions not stated): 1000 Genomes Project 0.00026; 1000 Genomes Project 30x 0.00042; TOPMed 0.00208; gnomAD 0.00233 and 0.00243; gnomAD exomes 0.00243; ExAC 0.00272; ESP Exome Variant Server 0.00454.

Submissions (2):

Labcorp Genetics (formerly Invitae), Labcorp
Classification: Benign. Last evaluated: 2026-01-19. Review status: criteria provided, single submitter. Criteria: Invitae Variant Classification Sherloc (09022015). Collection method: clinical testing. Allele origin: germline.

PreventionGenetics, part of Exact Sciences
Classification: Likely benign for TLR7-related condition. Last evaluated: 2021-03-19. Review status: no assertion criteria provided. Collection method: clinical testing. Allele origin: germline. Not counted in ClinVar's aggregate classification.
Comment: This variant is classified as likely benign based on ACMG/AMP sequence variant interpretation guidelines (Richards et al. 2015 PMID: 25741868, with internal and published modifications).

NM_016562.4(TLR7):c.665T>A (p.Val222Asp)

Gene: TLR7 (toll like receptor 7; plus strand). Cytogenetic location: Xp22.2.
Variant type: single nucleotide variant.
Coding change: c.665T>A on transcript NM_016562.4 (MANE Select); coding-DNA position 665, T replaced by A.
Protein change: p.Val222Asp; replaces valine 222 with aspartic acid.
Molecular consequence: missense variant.
Genome position (GRCh38, 1-based): chrX:12,886,173, T>A. VCF-style: chrX-12886173-T-A. GRCh37 (hg19) VCF-style: chrX-12904292-T-A.
Other names: short protein forms V222D.
Identifiers: ClinVar variation 711171 (VCV000711171.10), dbSNP rs55907843, ClinGen allele CA10349953.